The following is an entry in ClinVar:

ClinVar aggregate classification (germline): Uncertain significance. Review status: criteria provided, multiple submitters, no conflicts (2 of 4 stars). 4 submissions from 4 submitters: Uncertain significance (4). Last evaluated 2025-12-03.

Conditions:
COL4A2-related disorder. Also called: COL4A2-related disorders; COL4A2-related condition.
Brain small vessel disease 2A, autosomal dominant. Also called: Porencephaly 2. Identifiers: Orphanet 2940, Orphanet 99810, MedGen C3280970, MONDO:0013773, OMIM 614483.
Hemorrhage, intracerebral, susceptibility to (ICH). Also called: Stroke, hemorrhagic, susceptibility to. Identifiers: MedGen C3281105, MONDO:0100533, OMIM 614519.

Allele frequency attached by ClinVar (database versions not stated): ExAC 0.00001; TOPMed 0.00002; gnomAD 0.00003; gnomAD exomes 0.00006.
gnomAD v4.1: 90 of 1,613,208 alleles (0.0056%); highest among the groups gnomAD compares: South Asian, 0.012%; no homozygotes.

Submissions (4):

Labcorp Genetics (formerly Invitae), Labcorp
Classification: Uncertain significance. Last evaluated: 2025-12-03. Review status: criteria provided, single submitter. Criteria: Invitae Variant Classification Sherloc (09022015). Collection method: clinical testing. Allele origin: germline.
Comment: This sequence change replaces arginine, which is basic and polar, with glutamine, which is neutral and polar, at codon 1069 of the COL4A2 protein (p.Arg1069Gln). This variant is present in population databases (rs200275883, gnomAD 0.003%). This variant has not been reported in the literature in individuals affected with COL4A2-related conditions. ClinVar contains an entry for this variant (Variation ID: 2634514). An algorithm developed to predict the effect of missense changes on protein structure and function (PolyPhen-2) suggests that this variant is likely to be disruptive. In summary, the available evidence is currently insufficient to determine the role of this variant in disease. Therefore, it has been classified as a Variant of Uncertain Significance.

Fulgent Genetics
Classification: Uncertain significance for Brain small vessel disease 2A, autosomal dominant; Hemorrhage, intracerebral, susceptibility to. Last evaluated: 2024-05-17. Review status: criteria provided, single submitter. Criteria: ACMG Guidelines, 2015. Collection method: clinical testing. Allele origin: germline.

Women's Health and Genetics/Laboratory Corporation of America, LabCorp
Classification: Uncertain significance. Last evaluated: 2024-02-19. Review status: criteria provided, single submitter. Criteria: LabCorp Variant Classification Summary - May 2015. Collection method: clinical testing. Allele origin: germline.
Comment: Variant summary: COL4A2 c.3206G>A (p.Arg1069Gln) results in a conservative amino acid change located in the Collagen triple helix repeat (IPR008160) of the encoded protein sequence. Three of five in-silico tools predict a benign effect of the variant on protein function. In addition, this variant disrupts the penultimate nucleotide of exon 34, and therefore can affect splicing. Consensus agreement among computation tools predict no significant impact on normal splicing. However, these predictions have yet to be confirmed by functional studies. The variant allele was found at a frequency of 5.6e-05 in 1613208 control chromosomes (i.e, 90 alleles, no homozygotes), predominantly at a frequency of 0.00012 within the South Asian subpopulation in the gnomAD v4.0.0 database. The available data on variant occurrences in the general population are insufficient to allow any conclusion about variant significance, although is not suggestive of a variant causative of autosomal dominant disease. To our knowledge, no occurrence of c.3206G>A in individuals affected with Porencephaly 2 and no experimental evidence demonstrating its impact on protein function have been reported. ClinVar contains an entry for this variant (Variation ID: 2634514). Based on the evidence outlined above, particularly the gnomAD allele frequency and lack of pathogenic evidence reported in the literature, the variant was classified as VUS-possibly benign.

PreventionGenetics, part of Exact Sciences
Classification: Uncertain significance for COL4A2-related condition. Last evaluated: 2022-10-03. Review status: criteria provided, single submitter. Criteria: ACMG Guidelines, 2015. Collection method: clinical testing. Allele origin: germline.
Comment: The COL4A2 c.3206G>A variant is predicted to result in the amino acid substitution p.Arg1069Gln. To our knowledge, this variant has not been reported in the literature. This variant is reported in 0.0033% of alleles in individuals of South Asian descent in gnomAD. At this time, the clinical significance of this variant is uncertain due to the absence of conclusive functional and genetic evidence.

NM_001846.4(COL4A2):c.3206G>A (p.Arg1069Gln)

Gene: COL4A2 (collagen type IV alpha 2 chain; plus strand). Cytogenetic location: 13q34.
Variant type: single nucleotide variant.
Coding change: c.3206G>A on transcript NM_001846.4 (MANE Select); coding-DNA position 3206, G replaced by A.
Protein change: p.Arg1069Gln; replaces arginine 1069 with glutamine.
Molecular consequence: missense variant.
Genome position (GRCh38, 1-based): chr13:110,485,835, G>A. VCF-style: chr13-110485835-G-A. GRCh37 (hg19) VCF-style: chr13-111138182-G-A.
Other names: short protein forms R1069Q.
Identifiers: ClinVar variation 2634514 (VCV002634514.5), dbSNP rs200275883, ClinGen allele CA7050107.
Genomic context (GRCh38, chr13:110,485,835, plus strand): 5'-GATTCCCTGGGGTGGCTGGCCCCCCTGGAATTACGGGATTCCCAGGATTCATAGGAAGCC[G>A]GGTGAGTGGGCGTCTTTTACTCCCCTTGTTCTGTGAGCTCCTCTCCCCTTTGCTTGTGAA-3'
Protein context (NP_001837.2, residues 1059-1079): ITGFPGFIGS[Arg1069Gln]GDKGAPGRAG